The following is an entry in ClinVar:

ClinVar aggregate classification (germline): Uncertain significance. Review status: criteria provided, multiple submitters, no conflicts (2 of 4 stars). 2 submissions from 2 submitters: Uncertain significance (2). Last evaluated 2022-04-16.

Conditions:
Alstrom syndrome (ALMS). Identifiers: Orphanet 64, MedGen C0268425, MONDO:0008763, OMIM 203800.

Allele frequency attached by ClinVar (database versions not stated): gnomAD exomes 0.00001.
gnomAD v4.1: 10 of 1,614,070 alleles (0.00062%); highest among the groups gnomAD compares: South Asian, 0.0099%; no homozygotes.

Submissions (2):

Labcorp Genetics (formerly Invitae), Labcorp
Classification: Uncertain significance for Alstrom syndrome. Last evaluated: 2022-04-16. Review status: criteria provided, single submitter. Criteria: Invitae Variant Classification Sherloc (09022015). Collection method: clinical testing. Allele origin: germline.
Comment: In summary, the available evidence is currently insufficient to determine the role of this variant in disease. Therefore, it has been classified as a Variant of Uncertain Significance. Experimental studies and prediction algorithms are not available or were not evaluated, and the functional significance of this variant is currently unknown. This variant has not been reported in the literature in individuals affected with ALMS1-related conditions. This variant is present in population databases (rs187607395, gnomAD 0.003%). This sequence change replaces lysine, which is basic and polar, with isoleucine, which is neutral and non-polar, at codon 3436 of the ALMS1 protein (p.Lys3436Ile).

Blueprint Genetics
Classification: Uncertain significance. Last evaluated: 2022-01-27. Review status: criteria provided, single submitter. Criteria: ACMG Guidelines, 2015. Collection method: clinical testing. Allele origin: germline.

NM_001378454.1(ALMS1):c.10304A>T (p.Lys3435Ile)

Gene: ALMS1 (ALMS1 centrosome and basal body associated protein; plus strand). Cytogenetic location: 2p13.1.
Variant type: single nucleotide variant.
Coding change: c.10304A>T on transcript NM_001378454.1 (MANE Select); coding-DNA position 10304, A replaced by T.
Protein change: p.Lys3435Ile; replaces lysine 3435 with isoleucine.
Molecular consequence: missense variant.
Genome position (GRCh38, 1-based): chr2:73,559,062, A>T. VCF-style: chr2-73559062-A-T. GRCh37 (hg19) VCF-style: chr2-73786189-A-T.
Other names: c.10307A>T, p.Lys3436Ile (NM_015120.4); short protein forms K3436I, K3435I.
Identifiers: ClinVar variation 2198502 (VCV002198502.5), dbSNP rs187607395, ClinGen allele CA1714959.